The following is an entry in ClinVar:

ClinVar aggregate classification (germline): Uncertain significance (1 of 4 stars; one submission).

Allele frequency attached by ClinVar (database versions not stated): TOPMed below 0.00001; ExAC 0.00001; gnomAD 0.00001 and 0.00004; gnomAD exomes 0.00001.
gnomAD v4.1: 23 of 1,614,264 alleles (0.0014%); highest among the groups gnomAD compares: Middle Eastern, 0.049%; 1 homozygote.

Submission:

Labcorp Genetics (formerly Invitae), Labcorp
Classification: Uncertain significance. Last evaluated: 2023-12-07. Review status: criteria provided, single submitter. Criteria: Invitae Variant Classification Sherloc (09022015). Collection method: clinical testing. Allele origin: germline.
Comment: This sequence change replaces valine, which is neutral and non-polar, with isoleucine, which is neutral and non-polar, at codon 1574 of the DSCAML1 protein (p.Val1574Ile). This variant is present in population databases (rs542233373, gnomAD 0.008%). This variant has not been reported in the literature in individuals affected with DSCAML1-related conditions. ClinVar contains an entry for this variant (Variation ID: 1510463). An algorithm developed to predict the effect of missense changes on protein structure and function (PolyPhen-2) suggests that this variant is likely to be tolerated. In summary, the available evidence is currently insufficient to determine the role of this variant in disease. Therefore, it has been classified as a Variant of Uncertain Significance.

NM_020693.4(DSCAML1):c.4540G>A (p.Val1514Ile)

Gene: DSCAML1 (DS cell adhesion molecule like 1; minus strand). Cytogenetic location: 11q23.3.
Variant type: single nucleotide variant.
Coding change: c.4540G>A on transcript NM_020693.4 (MANE Select); coding-DNA position 4540, G replaced by A.
Protein change: p.Val1514Ile; replaces valine 1514 with isoleucine.
Molecular consequence: missense variant.
Genome position (GRCh38, 1-based): chr11:117,437,302, C>T on the plus strand (G>A on the coding strand, the complement: DSCAML1 is on the minus strand). VCF-style: chr11-117437302-C-T. GRCh37 (hg19) VCF-style: chr11-117308018-C-T.
Other names: short protein forms V1514I.
Identifiers: ClinVar variation 1510463 (VCV001510463.6), dbSNP rs542233373, ClinGen allele CA6296343.